The following is an entry in ClinVar:

ClinVar aggregate classification (germline): Likely pathogenic (1 of 4 stars; one submission).

Submission:

Labcorp Genetics (formerly Invitae), Labcorp
Classification: Likely pathogenic. Last evaluated: 2025-02-27. Review status: criteria provided, single submitter. Criteria: Invitae Variant Classification Sherloc (09022015). Collection method: clinical testing. Allele origin: germline.
Comment: This sequence change replaces tryptophan, which is neutral and slightly polar, with serine, which is neutral and polar, at codon 700 of the WFS1 protein (p.Trp700Ser). This variant is not present in population databases (gnomAD no frequency). This variant has not been reported in the literature in individuals affected with WFS1-related conditions. Invitae Evidence Modeling of protein sequence and biophysical properties (such as structural, functional, and spatial information, amino acid conservation, physicochemical variation, residue mobility, and thermodynamic stability) indicates that this missense variant is expected to disrupt WFS1 protein function with a positive predictive value of 95%. This variant disrupts the p.Trp700 amino acid residue in WFS1. Other variant(s) that disrupt this residue have been determined to be pathogenic (PMID: 10521293, 15277431, 35641312, 36098976). This suggests that this residue is clinically significant, and that variants that disrupt this residue are likely to be disease-causing. In summary, the currently available evidence indicates that the variant is pathogenic, but additional data are needed to prove that conclusively. Therefore, this variant has been classified as Likely Pathogenic.

Literature cited by the submitters: PubMed 10521293; PubMed 15277431; PubMed 35641312; PubMed 36098976.

NM_006005.3(WFS1):c.2099G>C (p.Trp700Ser)

Gene: WFS1 (wolframin ER transmembrane glycoprotein; plus strand). Cytogenetic location: 4p16.1.
Variant type: single nucleotide variant.
Coding change: c.2099G>C on transcript NM_006005.3 (MANE Select); coding-DNA position 2099, G replaced by C.
Protein change: p.Trp700Ser; replaces tryptophan 700 with serine.
Molecular consequence: missense variant.
Genome position (GRCh38, 1-based): chr4:6,301,894, G>C. VCF-style: chr4-6301894-G-C. GRCh37 (hg19) VCF-style: chr4-6303621-G-C.
Other names: c.2099G>C, p.Trp700Ser (NM_001145853.1); short protein forms W700S.
Identifiers: ClinVar variation 4802689 (VCV004802689.1).